The following is an entry in ClinVar:

NM_001105206.3(LAMA4):c.82G>A (p.Asp28Asn)

Genes: LAMA4 (laminin subunit alpha 4; minus strand), LAMA4-AS1 (LAMA4 antisense RNA 1; plus strand). Cytogenetic location: 6q21.
Variant type: single nucleotide variant.
Coding change: c.82G>A on transcript NM_001105206.3 (MANE Select); coding-DNA position 82, G replaced by A.
Protein change: p.Asp28Asn; replaces aspartic acid 28 with asparagine.
Molecular consequence: missense variant.
Genome position (GRCh38, 1-based): chr6:112,254,069, C>T on the plus strand (G>A on the coding strand, the complement: LAMA4 is on the minus strand). VCF-style: chr6-112254069-C-T. GRCh37 (hg19) VCF-style: chr6-112575271-C-T.
Other names: c.82G>A, p.Asp28Asn (NM_001105207.3, NM_001105208.3, NM_001105209.3 and 1 more transcripts); short protein forms D28N.
Identifiers: ClinVar variation 2562633 (VCV002562633.29), dbSNP rs1584036963, ClinGen allele CA365518884.

ClinVar aggregate classification (germline): Uncertain significance. Review status: criteria provided, multiple submitters, no conflicts (2 of 4 stars). 3 submissions from 3 submitters: Uncertain significance (3). Last evaluated 2023-10-12.

Conditions:
Cardiovascular phenotype. Identifiers: MedGen CN230736.
Dilated cardiomyopathy 1JJ (CMD1JJ). Identifiers: Orphanet 154, MedGen C3808935, MONDO:0014095, OMIM 615235.

Allele frequency attached by ClinVar (database versions not stated): gnomAD exomes below 0.00001; TOPMed below 0.00001; gnomAD 0.00001.
gnomAD v4.1: 2 of 1,610,318 alleles (0.00012%); highest among the groups gnomAD compares: South Asian, 0.0011%; no homozygotes.

Submissions (3):

Labcorp Genetics (formerly Invitae), Labcorp
Classification: Uncertain significance for Dilated cardiomyopathy 1JJ. Last evaluated: 2023-10-12. Review status: criteria provided, single submitter. Criteria: Invitae Variant Classification Sherloc (09022015). Collection method: clinical testing. Allele origin: germline.
Comment: This sequence change replaces aspartic acid, which is acidic and polar, with asparagine, which is neutral and polar, at codon 28 of the LAMA4 protein (p.Asp28Asn). This variant is not present in population databases (gnomAD no frequency). This variant has not been reported in the literature in individuals affected with LAMA4-related conditions. ClinVar contains an entry for this variant (Variation ID: 2562633). Algorithms developed to predict the effect of missense changes on protein structure and function output the following: SIFT: "Not Available"; PolyPhen-2: "Benign"; Align-GVGD: "Not Available". The asparagine amino acid residue is found in multiple mammalian species, which suggests that this missense change does not adversely affect protein function. In summary, the available evidence is currently insufficient to determine the role of this variant in disease. Therefore, it has been classified as a Variant of Uncertain Significance.

Ambry Genetics
Classification: Uncertain significance for Cardiovascular phenotype. Last evaluated: 2023-05-21. Review status: criteria provided, single submitter. Criteria: Ambry Variant Classification Scheme 2023. Collection method: clinical testing. Allele origin: germline.
Comment: The p.D28N variant (also known as c.82G>A), located in coding exon 1 of the LAMA4 gene, results from a G to A substitution at nucleotide position 82. The aspartic acid at codon 28 is replaced by asparagine, an amino acid with highly similar properties. This amino acid position is conserved. In addition, this alteration is predicted to be tolerated by in silico analysis. Since supporting evidence is limited at this time, the clinical significance of this alteration remains unclear.

CeGaT Center for Human Genetics Tuebingen
Classification: Uncertain significance. Last evaluated: 2022-09-01. Review status: criteria provided, single submitter. Criteria: CeGaT Center For Human Genetics Tuebingen Variant Classification Criteria Version 2. Collection method: clinical testing. Allele origin: germline. Affected: yes. Observed: 1 variant allele.
Comment: LAMA4: PM2, BP4